The following is an entry in ClinVar:

ClinVar aggregate classification (germline): Pathogenic. Review status: criteria provided, multiple submitters, no conflicts (2 of 4 stars). 2 submissions from 2 submitters: Pathogenic (2). Last evaluated 2019-06-28.

Conditions:
Congenital myotonia, autosomal recessive form. Also called: myotonia congenita, autosomal recessive; BECKER DISEASE; Becker Generalized Myotonia. Identifiers: Orphanet 614, MedGen C0751360, MONDO:0009715, OMIM 255700.
Congenital myotonia, autosomal dominant form (THD). Also called: Myotonia congenita autosomal dominant; THOMSEN DISEASE. Identifiers: Orphanet 614, MedGen C2936781, MONDO:0008055, OMIM 160800.

Submissions (2):

Revvity Omics, Revvity
Classification: Pathogenic. Last evaluated: 2019-06-28. Review status: criteria provided, single submitter. Criteria: ACMG Guidelines, 2015. Collection method: clinical testing. Allele origin: germline.

Labcorp Genetics (formerly Invitae), Labcorp
Classification: Pathogenic for Congenital myotonia, autosomal recessive form; Congenital myotonia, autosomal dominant form. Last evaluated: 2016-10-18. Review status: criteria provided, single submitter. Criteria: Invitae Variant Classification Sherloc (09022015). Collection method: clinical testing. Allele origin: germline.
Comment: For these reasons, this variant has been classified as Pathogenic. Loss-of-function variants in CLCN1 are known to be pathogenic. This particular variant has been reported in the literature in two individuals affected with myotonia congenita (PMID: 11933197, 23739125). This variant is not present in population databases (ExAC no frequency). This sequence change creates a premature translational stop signal at codon 807 (p.Gln807*) of the CLCN1 gene. It is expected to result in an absent or disrupted protein product.

Literature cited by the submitters: PubMed 11933197 (cited by Labcorp Genetics (formerly Invitae), Labcorp); PubMed 23739125 (cited by Labcorp Genetics (formerly Invitae), Labcorp).

NM_000083.3(CLCN1):c.2419C>T (p.Gln807Ter)

Gene: CLCN1 (chloride voltage-gated channel 1; plus strand). Cytogenetic location: 7q34.
Variant type: single nucleotide variant.
Coding change: c.2419C>T on transcript NM_000083.3 (MANE Select); coding-DNA position 2419, C replaced by T.
Protein change: p.Gln807Ter; replaces glutamine 807 with a stop codon.
Molecular consequence: nonsense. On other transcripts: non-coding transcript variant (1).
Genome position (GRCh38, 1-based): chr7:143,350,387, C>T. VCF-style: chr7-143350387-C-T. GRCh37 (hg19) VCF-style: chr7-143047480-C-T.
Other names: short protein forms Q807*.
Identifiers: ClinVar variation 462830 (VCV000462830.13), dbSNP rs1554439817, ClinGen allele CA369652499.